The following is an entry in ClinVar:

ClinVar aggregate classification (germline): Likely benign. Review status: criteria provided, single submitter (1 of 4 stars). 2 submissions from 2 submitters: Likely benign (1). 1 of the submissions does not count toward it. Last evaluated 2025-08-01.

Conditions:
TSPAN7-related disorder. Also called: TSPAN7-related condition.

Allele frequency attached by ClinVar (database versions not stated): gnomAD exomes 0.00006; TOPMed 0.00029; gnomAD 0.00037; 1000 Genomes Project 30x 0.00042; ExAC 0.00047; 1000 Genomes Project 0.00053.
gnomAD v4.1: 112 of 1,198,898 alleles (0.0093%); highest among the groups gnomAD compares: African/African-American, 0.1%; no homozygotes.

Submissions (2):

CeGaT Center for Human Genetics Tuebingen
Classification: Likely benign. Last evaluated: 2025-08-01. Review status: criteria provided, single submitter. Criteria: CeGaT Center For Human Genetics Tuebingen Variant Classification Criteria Version 2. Collection method: clinical testing. Allele origin: germline. Affected: yes. Observed: 1 variant allele.
Comment: TSPAN7: BP4, BP7, BS2

PreventionGenetics, part of Exact Sciences
Classification: Likely benign for TSPAN7-related condition. Last evaluated: 2019-06-21. Review status: no assertion criteria provided. Collection method: clinical testing. Allele origin: germline. Not counted in ClinVar's aggregate classification.
Comment: This variant is classified as likely benign based on ACMG/AMP sequence variant interpretation guidelines (Richards et al. 2015 PMID: 25741868, with internal and published modifications).

NM_004615.4(TSPAN7):c.378C>T (p.Asp126=)

Gene: TSPAN7 (tetraspanin 7; plus strand). Cytogenetic location: Xp11.4.
Variant type: single nucleotide variant.
Coding change: c.378C>T on transcript NM_004615.4 (MANE Select); coding-DNA position 378, C replaced by T.
Protein change: p.Asp126=; no amino-acid change (aspartic acid 126 retained).
Molecular consequence: synonymous variant.
Genome position (GRCh38, 1-based): chrX:38,674,253, C>T. VCF-style: chrX-38674253-C-T. GRCh37 (hg19) VCF-style: chrX-38533507-C-T.
Identifiers: ClinVar variation 3042930 (VCV003042930.10), dbSNP rs752608096, ClinGen allele CA10386088.